The following is an entry in ClinVar:

ClinVar aggregate classification (germline): Benign (1 of 4 stars; one submission).

Allele frequency attached by ClinVar (database versions not stated): gnomAD 0.25013 and 0.25014; TOPMed 0.26517; 1000 Genomes Project 0.28754; 1000 Genomes Project 30x 0.29201.
gnomAD v4.1: 38,010 of 152,156 alleles (25%); highest among the groups gnomAD compares: African/African-American, 37%; 5,436 homozygotes.

Submission:

GeneDx
Classification: Benign. Last evaluated: 2018-06-14. Review status: criteria provided, single submitter. Criteria: GeneDx Variant Classification (06012015). Collection method: clinical testing. Allele origin: germline. Affected: yes.
Comment: This variant is considered likely benign or benign based on one or more of the following criteria: it is a conservative change, it occurs at a poorly conserved position in the protein, it is predicted to be benign by multiple in silico algorithms, and/or has population frequency not consistent with disease.

NM_024577.4(SH3TC2):c.52+239C>T

Gene: SH3TC2 (SH3 domain and tetratricopeptide repeats 2; minus strand). Cytogenetic location: 5q32.
Variant type: single nucleotide variant.
Coding change: c.52+239C>T on transcript NM_024577.4 (MANE Select); 239 bases into the intron after coding-DNA position 52, C replaced by T.
Molecular consequence: intron variant.
Genome position (GRCh38, 1-based): chr5:149,062,732, G>A on the plus strand (C>T on the coding strand, the complement: SH3TC2 is on the minus strand). VCF-style: chr5-149062732-G-A. GRCh37 (hg19) VCF-style: chr5-148442295-G-A.
Identifiers: ClinVar variation 671714 (VCV000671714.1), dbSNP rs40522, ClinGen allele CA11984474.